The following is an entry in ClinVar:

NM_001429.4(EP300):c.3748T>C (p.Cys1250Arg)

Gene: EP300 (E1A binding protein p300; plus strand). Cytogenetic location: 22q13.2.
Variant type: single nucleotide variant.
Coding change: c.3748T>C on transcript NM_001429.4 (MANE Select); coding-DNA position 3748, T replaced by C.
Protein change: p.Cys1250Arg; replaces cysteine 1250 with arginine.
Molecular consequence: missense variant.
Genome position (GRCh38, 1-based): chr22:41,164,072, T>C. VCF-style: chr22-41164072-T-C. GRCh37 (hg19) VCF-style: chr22-41560076-T-C.
Other names: c.3670T>C, p.Cys1224Arg (NM_001362843.2); short protein forms C1224R, C1250R.
Identifiers: ClinVar variation 3392598 (VCV003392598.1).

ClinVar aggregate classification (germline): Uncertain significance (1 of 4 stars; one submission).

Submission:

GeneDx
Classification: Uncertain significance. Last evaluated: 2024-06-27. Review status: criteria provided, single submitter. Criteria: GeneDx Variant Classification Process June 2021. Collection method: clinical testing. Allele origin: germline. Affected: yes.
Comment: Not observed at significant frequency in large population cohorts (gnomAD); In silico analysis supports that this missense variant has a deleterious effect on protein structure/function; Has not been previously published as pathogenic or benign to our knowledge